The following is an entry in ClinVar:

ClinVar aggregate classification (germline): Likely benign. Review status: criteria provided, multiple submitters, no conflicts (2 of 4 stars). 6 submissions from 6 submitters: Likely benign (5). 1 of the submissions does not count toward it. Last evaluated 2026-01-15.

Conditions:
DDOST-related disorder. Also called: DDOST-related condition.
Congenital disorder of glycosylation type Ir (CDG1R). Also called: DDOST-congenital disorder of glycosylation. Identifiers: Orphanet 300536, MedGen C3281084, MONDO:0013789, OMIM 614507.

Allele frequency attached by ClinVar (database versions not stated): 1000 Genomes Project 30x 0.00047; ESP Exome Variant Server 0.00054; 1000 Genomes Project 0.00060; gnomAD 0.00063 and 0.00066; TOPMed 0.00066; gnomAD exomes 0.00068 and 0.00082; ExAC 0.00078.
gnomAD v4.1: 1,279 of 1,613,768 alleles (0.079%); highest among the groups gnomAD compares: Admixed American, 0.13%; no homozygotes.

Submissions (6):

Labcorp Genetics (formerly Invitae), Labcorp
Classification: Likely benign for Congenital disorder of glycosylation type Ir. Last evaluated: 2026-01-15. Review status: criteria provided, single submitter. Criteria: Invitae Variant Classification Sherloc (09022015). Collection method: clinical testing. Allele origin: germline.

CeGaT Center for Human Genetics Tuebingen
Classification: Likely benign. Last evaluated: 2026-01-01. Review status: criteria provided, single submitter. Criteria: CeGaT Center For Human Genetics Tuebingen Variant Classification Criteria Version 2. Collection method: clinical testing. Allele origin: germline. Affected: yes. Observed: 2 variant alleles.
Comment: DDOST: BP4, BP7

Blueprint Genetics
Classification: Likely benign. Last evaluated: 2024-08-30. Review status: criteria provided, single submitter. Criteria: ACMG Guidelines, 2015. Collection method: clinical testing. Allele origin: germline.

GeneDx
Classification: Likely benign. Last evaluated: 2017-11-02. Review status: criteria provided, single submitter. Criteria: GeneDx Variant Classification (06012015). Collection method: clinical testing. Allele origin: germline. Affected: yes.
Comment: This variant is considered likely benign or benign based on one or more of the following criteria: it is a conservative change, it occurs at a poorly conserved position in the protein, it is predicted to be benign by multiple in silico algorithms, and/or has population frequency not consistent with disease.

Breakthrough Genomics
Classification: Likely benign. Review status: criteria provided, single submitter. Criteria: ACMG Guidelines, 2015. Collection method: not provided. Allele origin: germline. Inheritance: Autosomal recessive inheritance. Affected: yes.

PreventionGenetics, part of Exact Sciences
Classification: Likely benign for DDOST-related condition. Last evaluated: 2024-08-23. Review status: no assertion criteria provided. Collection method: clinical testing. Allele origin: germline. Not counted in ClinVar's aggregate classification.
Comment: This variant is classified as likely benign based on ACMG/AMP sequence variant interpretation guidelines (Richards et al. 2015 PMID: 25741868, with internal and published modifications).

NM_005216.5(DDOST):c.148C>T (p.Leu50=)

Gene: DDOST (dolichyl-diphosphooligosaccharide--protein glycosyltransferase non-catalytic subunit; minus strand). Cytogenetic location: 1p36.12.
Variant type: single nucleotide variant.
Coding change: c.148C>T on transcript NM_005216.5 (MANE Select); coding-DNA position 148, C replaced by T.
Protein change: p.Leu50=; no amino-acid change (leucine 50 retained).
Molecular consequence: synonymous variant.
Genome position (GRCh38, 1-based): chr1:20,661,203, G>A on the plus strand (C>T on the coding strand, the complement: DDOST is on the minus strand). VCF-style: chr1-20661203-G-A. GRCh37 (hg19) VCF-style: chr1-20987696-G-A.
Identifiers: ClinVar variation 295159 (VCV000295159.38), dbSNP rs143421115, ClinGen allele CA661359.